The following is an entry in ClinVar:

NM_177438.3(DICER1):c.5485_5488del (p.Thr1829fs)

Gene: DICER1 (dicer 1, ribonuclease III; minus strand). Cytogenetic location: 14q32.13.
Variant type: Deletion.
Coding change: c.5485_5488del on transcript NM_177438.3 (MANE Select); coding-DNA positions 5485 to 5488, 4 bases deleted (ACAG; older notation c.5485_5488delACAG).
Protein change: p.Thr1829fs; shifts the reading frame from threonine 1829.
Molecular consequence: frameshift variant. On other transcripts: non-coding transcript variant (6), intron variant (1).
Genome position (GRCh38, 1-based): chr14:95,091,242-95,091,245, CTGT deleted on the plus strand (ACAG on the coding strand, the reverse complement: DICER1 is on the minus strand); deleting any 4 consecutive bases within chr14:95,091,242-95,091,247 gives the same sequence; the c. name uses the placement nearest the transcript's 3' end. VCF-style (leftmost placement, unchanged base first): chr14-95091241-ACTGT-A. GRCh37 (hg19) VCF-style: chr14-95557578-ACTGT-A.
Other names: c.5485_5488del, p.Thr1829fs (NM_001271282.3, NM_001291628.2, NM_001395677.1 and 7 more transcripts); c.5203_5206del, p.Thr1735fs (NM_001395686.1); c.5080_5083del, p.Thr1694fs (NM_001395687.1, NM_001395688.1, NM_001395689.1 and 1 more transcripts); c.4918_4921del, p.Thr1640fs (NM_001395691.1); c.3802_3805del, p.Thr1268fs (NM_001395697.1); c.5365-136_5365-133del (NM_001195573.1); short protein forms T1268fs, T1640fs, T1735fs, T1694fs, T1829fs.
Identifiers: ClinVar variation 4727998 (VCV004727998.1).

ClinVar aggregate classification (germline): Pathogenic (1 of 4 stars; one submission).

Conditions:
DICER1-related tumor predisposition. Also called: DICER1 syndrome; DICER1-related pleuropulmonary blastoma cancer predisposition syndrome. Identifiers: Orphanet 284343, MedGen C3839822, MONDO:0100216.

Submission:

Labcorp Genetics (formerly Invitae), Labcorp
Classification: Pathogenic for DICER1-related tumor predisposition. Last evaluated: 2025-09-28. Review status: criteria provided, single submitter. Criteria: Invitae Variant Classification Sherloc (09022015). Collection method: clinical testing. Allele origin: germline.
Comment: This sequence change creates a premature translational stop signal (p.Thr1829Serfs*8) in the DICER1 gene. It is expected to result in an absent or disrupted protein product. Loss-of-function variants in DICER1 are known to be pathogenic (PMID: 19556464, 21266384). This variant is not present in population databases (gnomAD no frequency). This variant has not been reported in the literature in individuals affected with DICER1-related conditions. Algorithms developed to predict the effect of sequence changes on RNA splicing suggest that this variant may disrupt the consensus splice site. For these reasons, this variant has been classified as Pathogenic.

Literature cited by the submitters: PubMed 19556464; PubMed 21266384.